The following is an entry in ClinVar:

NM_012309.5(SHANK2):c.1903G>C (p.Glu635Gln)

Gene: SHANK2 (SH3 and multiple ankyrin repeat domains 2; minus strand). Cytogenetic location: 11q13.4.
Variant type: single nucleotide variant.
Coding change: c.1903G>C on transcript NM_012309.5 (MANE Select); coding-DNA position 1903, G replaced by C.
Protein change: p.Glu635Gln; replaces glutamic acid 635 with glutamine.
Molecular consequence: missense variant. On other transcripts: non-coding transcript variant (1).
Genome position (GRCh38, 1-based): chr11:70,661,629, C>G on the plus strand (G>C on the coding strand, the complement: SHANK2 is on the minus strand). VCF-style: chr11-70661629-C-G. GRCh37 (hg19) VCF-style: chr11-70507734-C-G.
Other names: c.766G>C, p.Glu256Gln (NM_001379226.1); c.139G>C, p.Glu47Gln (NM_133266.5); short protein forms E256Q, E47Q, E635Q.
Identifiers: ClinVar variation 2429416 (VCV002429416.3), dbSNP rs2498015303, ClinGen allele CA381957408.

ClinVar aggregate classification (germline): Uncertain significance (1 of 4 stars; one submission).

Submission:

Illumina Laboratory Services, Illumina
Classification: Uncertain significance. Last evaluated: 2022-09-01. Review status: criteria provided, single submitter. Criteria: ICSL CNVClassificationCriteria Aug2020. Collection method: clinical testing. Allele origin: unknown. Affected: yes.
Comment: The SHANK2 c.1756G>C (p.Glu586Gln) missense variant results in the substitution of glutamatic acid at amino acid position 586 with glutamine. To our knowledge, this variant has not been reported in the peer-reviewed literature. This variant is not found in version 2.1.1 or version 3.1.2 of the Genome Aggregation Database. Based on the available evidence, the c.1756G>C (p.Glu586Gln) variant is classified as a variant of uncertain significance for complex neurodevelopmental disorder.